The following is an entry in ClinVar:

NM_001042492.3(NF1):c.6773G>C (p.Arg2258Pro)

Gene: NF1 (neurofibromin 1; plus strand). Cytogenetic location: 17q11.2.
Variant type: single nucleotide variant.
Coding change: c.6773G>C on transcript NM_001042492.3 (MANE Select); coding-DNA position 6773, G replaced by C.
Protein change: p.Arg2258Pro; replaces arginine 2258 with proline.
Molecular consequence: missense variant.
Genome position (GRCh38, 1-based): chr17:31,338,093, G>C. VCF-style: chr17-31338093-G-C. GRCh37 (hg19) VCF-style: chr17-29665111-G-C.
Other names: c.6710G>C, p.Arg2237Pro (NM_000267.4); short protein forms R2237P, R2258P.
Identifiers: ClinVar variation 4800796 (VCV004800796.1).

ClinVar aggregate classification (germline): Uncertain significance (1 of 4 stars; one submission).

Conditions:
Neurofibromatosis, type 1 (NF1). Also called: VON RECKLINGHAUSEN DISEASE; Neurofibromatosis, type I; NEUROFIBROMATOSIS, TYPE I, SOMATIC; Peripheral type neurofibromatosis. Identifiers: Orphanet 636, MedGen C0027831, MONDO:0018975, OMIM 162200. Disease mechanism: loss of function.

Submission:

Labcorp Genetics (formerly Invitae), Labcorp
Classification: Uncertain significance for Neurofibromatosis, type 1. Last evaluated: 2025-07-13. Review status: criteria provided, single submitter. Criteria: Invitae Variant Classification Sherloc (09022015). Collection method: clinical testing. Allele origin: germline.
Comment: This sequence change replaces arginine, which is basic and polar, with proline, which is neutral and non-polar, at codon 2237 of the NF1 protein (p.Arg2237Pro). This variant is not present in population databases (gnomAD no frequency). This variant has not been reported in the literature in individuals affected with NF1-related conditions. Invitae Evidence Modeling of protein sequence and biophysical properties (such as structural, functional, and spatial information, amino acid conservation, physicochemical variation, residue mobility, and thermodynamic stability) indicates that this missense variant is not expected to disrupt NF1 protein function with a negative predictive value of 95%. In summary, the available evidence is currently insufficient to determine the role of this variant in disease. Therefore, it has been classified as a Variant of Uncertain Significance.